The following is an entry in ClinVar:

NM_032043.3(BRIP1):c.3611G>A (p.Ser1204Asn)

Gene: BRIP1 (BRCA1 interacting DNA helicase 1; minus strand). Cytogenetic location: 17q23.2.
Variant type: single nucleotide variant.
Coding change: c.3611G>A on transcript NM_032043.3 (MANE Select); coding-DNA position 3611, G replaced by A.
Protein change: p.Ser1204Asn; replaces serine 1204 with asparagine.
Molecular consequence: missense variant.
Genome position (GRCh38, 1-based): chr17:61,683,435, C>T on the plus strand (G>A on the coding strand, the complement: BRIP1 is on the minus strand). VCF-style: chr17-61683435-C-T. GRCh37 (hg19) VCF-style: chr17-59760796-C-T.
Other names: short protein forms S1204N.
Identifiers: ClinVar variation 3755193 (VCV003755193.2).

ClinVar aggregate classification (germline): Uncertain significance (1 of 4 stars; one submission).

Conditions:
Fanconi anemia complementation group J. Also called: BRIP1-Related Fanconi Anemia. Identifiers: Orphanet 84, MedGen C1836860, MONDO:0012187, OMIM 609054.
Familial cancer of breast. Also called: BREAST CANCER, FAMILIAL; Hereditary breast cancer; hereditary breast carcinoma. Identifiers: Orphanet 227535, MedGen C0346153, MONDO:0016419, OMIM 114480. Disease mechanism: loss of function.

Submission:

Labcorp Genetics (formerly Invitae), Labcorp
Classification: Uncertain significance for Familial cancer of breast; Fanconi anemia complementation group J. Last evaluated: 2024-03-09. Review status: criteria provided, single submitter. Criteria: Invitae Variant Classification Sherloc (09022015). Collection method: clinical testing. Allele origin: germline.
Comment: This sequence change replaces serine, which is neutral and polar, with asparagine, which is neutral and polar, at codon 1204 of the BRIP1 protein (p.Ser1204Asn). This variant is not present in population databases (gnomAD no frequency). This variant has not been reported in the literature in individuals affected with BRIP1-related conditions. Algorithms developed to predict the effect of missense changes on protein structure and function output the following: SIFT: "Not Available"; PolyPhen-2: "Benign"; Align-GVGD: "Not Available". The asparagine amino acid residue is found in multiple mammalian species, which suggests that this missense change does not adversely affect protein function. In summary, the available evidence is currently insufficient to determine the role of this variant in disease. Therefore, it has been classified as a Variant of Uncertain Significance.